The following is an entry in ClinVar:

NM_001985.3(ETFB):c.358G>T (p.Val120Leu)

Gene: ETFB (electron transfer flavoprotein subunit beta; minus strand). Cytogenetic location: 19q13.41.
Variant type: single nucleotide variant.
Coding change: c.358G>T on transcript NM_001985.3 (MANE Select); coding-DNA position 358, G replaced by T.
Protein change: p.Val120Leu; replaces valine 120 with leucine.
Molecular consequence: missense variant.
Genome position (GRCh38, 1-based): chr19:51,353,149, C>A on the plus strand (G>T on the coding strand, the complement: ETFB is on the minus strand). VCF-style: chr19-51353149-C-A. GRCh37 (hg19) VCF-style: chr19-51856403-C-A.
Other names: c.631G>T, p.Val211Leu (NM_001014763.1); c.358G>T (NM_001985.2); short protein forms V120L, V211L.
Identifiers: ClinVar variation 1918421 (VCV001918421.3), dbSNP rs903353205, ClinGen allele CA309737071.
Genomic context (GRCh38, chr19:51,353,149, plus strand): 5'-CAGGGATGAGCAAGGGGGCACAGGGAGGGCTGACCACAGCTACCTGTTTGCCCAGCAGCA[C>A]CAGGTCCACCTTCTCCTTCTCTGCCAGCTTGGCCAGGACCCGAGCCACCTGCAGGGGACC-3'
Protein context (NP_001976.1, residues 110-130): KLAEKEKVDL[Val120Leu]LLGKQAIDDD

ClinVar aggregate classification (germline): Uncertain significance. Review status: criteria provided, multiple submitters, no conflicts (2 of 4 stars). 2 submissions from 2 submitters: Uncertain significance (2). Last evaluated 2024-11-28.

Conditions:
Inborn genetic diseases. Identifiers: MedGen C0950123, MeSH D030342.
Multiple acyl-CoA dehydrogenase deficiency (MADD). Also called: ETHYLMALONIC-ADIPICACIDURIA; GA II; Glutaric aciduria, type 2; Glutaric acidemia type II; GA 2; Glutaric Acidemia type 2. Identifiers: Orphanet 26791, MedGen C0268596, MONDO:0009282, OMIM 231680.

Allele frequency attached by ClinVar (database versions not stated): gnomAD 0.00001; TOPMed below 0.00001.
gnomAD v4.1: 5 of 1,613,976 alleles (0.00031%); highest among the groups gnomAD compares: African/African-American, 0.0013%; no homozygotes.

Submissions (2):

Ambry Genetics
Classification: Uncertain significance for Inborn genetic diseases. Last evaluated: 2024-11-28. Review status: criteria provided, single submitter. Criteria: Ambry Variant Classification Scheme 2023. Collection method: clinical testing. Allele origin: germline.

Labcorp Genetics (formerly Invitae), Labcorp
Classification: Uncertain significance for Multiple acyl-CoA dehydrogenase deficiency. Last evaluated: 2022-03-06. Review status: criteria provided, single submitter. Criteria: Invitae Variant Classification Sherloc (09022015). Collection method: clinical testing. Allele origin: germline.
Comment: This sequence change replaces valine, which is neutral and non-polar, with leucine, which is neutral and non-polar, at codon 120 of the ETFB protein (p.Val120Leu). This variant is present in population databases (no rsID available, gnomAD 0.0009%). This variant has not been reported in the literature in individuals affected with ETFB-related conditions. Algorithms developed to predict the effect of missense changes on protein structure and function output the following: SIFT: "Tolerated"; PolyPhen-2: "Benign"; Align-GVGD: "Class C0". The leucine amino acid residue is found in multiple mammalian species, which suggests that this missense change does not adversely affect protein function. In summary, the available evidence is currently insufficient to determine the role of this variant in disease. Therefore, it has been classified as a Variant of Uncertain Significance.